The following is an entry in ClinVar:

ClinVar aggregate classification (germline): Uncertain significance (1 of 4 stars; one submission).

Conditions:
Hereditary cancer-predisposing syndrome. Also called: Neoplastic Syndromes, Hereditary; Tumor predisposition; Hereditary Cancer Syndrome; Hereditary neoplastic syndrome. Identifiers: Orphanet 140162, MedGen C0027672, MeSH D009386, MONDO:0015356.

Submission:

Ambry Genetics
Classification: Uncertain significance for Hereditary cancer-predisposing syndrome. Last evaluated: 2026-02-17. Review status: criteria provided, single submitter. Criteria: Ambry Variant Classification Scheme 2023. Collection method: clinical testing. Allele origin: germline.
Comment: The p.I247L variant (also known as c.739A>T), located in coding exon 6 of the SDHA gene, results from an A to T substitution at nucleotide position 739. The isoleucine at codon 247 is replaced by leucine, an amino acid with highly similar properties. This amino acid position is not well conserved in available vertebrate species. In addition, this alteration is predicted to be tolerated by in silico analysis. Based on the available evidence, the clinical significance of this variant remains unclear.

NM_004168.4(SDHA):c.739A>T (p.Ile247Leu)

Gene: SDHA (succinate dehydrogenase complex flavoprotein subunit A; plus strand). Cytogenetic location: 5p15.33.
Variant type: single nucleotide variant.
Coding change: c.739A>T on transcript NM_004168.4 (MANE Select); coding-DNA position 739, A replaced by T.
Protein change: p.Ile247Leu; replaces isoleucine 247 with leucine.
Molecular consequence: missense variant.
Genome position (GRCh38, 1-based): chr5:228,302, A>T. VCF-style: chr5-228302-A-T. GRCh37 (hg19) VCF-style: chr5-228417-A-T.
Other names: c.595A>T, p.Ile199Leu (NM_001294332.2); c.739A>T, p.Ile247Leu (NM_001330758.2); short protein forms I247L, I199L.
Identifiers: ClinVar variation 4839723 (VCV004839723.1).